The following is an entry in ClinVar:

NM_001042492.3(NF1):c.4454A>G (p.Asp1485Gly)

Gene: NF1 (neurofibromin 1; plus strand). Cytogenetic location: 17q11.2.
Variant type: single nucleotide variant.
Coding change: c.4454A>G on transcript NM_001042492.3 (MANE Select); coding-DNA position 4454, A replaced by G.
Protein change: p.Asp1485Gly; replaces aspartic acid 1485 with glycine.
Molecular consequence: missense variant.
Genome position (GRCh38, 1-based): chr17:31,260,392, A>G. VCF-style: chr17-31260392-A-G. GRCh37 (hg19) VCF-style: chr17-29587410-A-G.
Other names: c.4391A>G, p.Asp1464Gly (NM_000267.4); short protein forms D1464G, D1485G.
Identifiers: ClinVar variation 655394 (VCV000655394.15), dbSNP rs1279391103, ClinGen allele CA398999239.

ClinVar aggregate classification (germline): Uncertain significance. Review status: criteria provided, multiple submitters, no conflicts (2 of 4 stars). 4 submissions from 4 submitters: Uncertain significance (4). Last evaluated 2025-11-26.

Conditions:
Cardiovascular phenotype. Identifiers: MedGen CN230736.
Hereditary cancer-predisposing syndrome. Also called: Neoplastic Syndromes, Hereditary; Hereditary neoplastic syndrome; Hereditary Cancer Syndrome; Tumor predisposition. Identifiers: Orphanet 140162, MedGen C0027672, MeSH D009386, MONDO:0015356.
Neurofibromatosis, type 1 (NF1). Also called: VON RECKLINGHAUSEN DISEASE; NEUROFIBROMATOSIS, TYPE I, SOMATIC; Peripheral type neurofibromatosis; Neurofibromatosis, type I. Identifiers: Orphanet 636, MedGen C0027831, MONDO:0018975, OMIM 162200. Disease mechanism: loss of function.

Submissions (4):

Labcorp Genetics (formerly Invitae), Labcorp
Classification: Uncertain significance for Neurofibromatosis, type 1. Last evaluated: 2025-11-26. Review status: criteria provided, single submitter. Criteria: Invitae Variant Classification Sherloc (09022015). Collection method: clinical testing. Allele origin: germline.
Comment: This sequence change replaces aspartic acid, which is acidic and polar, with glycine, which is neutral and non-polar, at codon 1464 of the NF1 protein (p.Asp1464Gly). This variant is not present in population databases (gnomAD no frequency). This variant has not been reported in the literature in individuals affected with NF1-related conditions. ClinVar contains an entry for this variant (Variation ID: 655394). Invitae Evidence Modeling of protein sequence and biophysical properties (such as structural, functional, and spatial information, amino acid conservation, physicochemical variation, residue mobility, and thermodynamic stability) has been performed for this missense variant. However, the output from this modeling did not meet the statistical confidence thresholds required to predict the impact of this variant on NF1 protein function. In summary, the available evidence is currently insufficient to determine the role of this variant in disease. Therefore, it has been classified as a Variant of Uncertain Significance.

Ambry Genetics
Classification: Uncertain significance for Cardiovascular phenotype; Hereditary cancer-predisposing syndrome. Last evaluated: 2024-12-08. Review status: criteria provided, single submitter. Criteria: Ambry Variant Classification Scheme 2023. Collection method: clinical testing. Allele origin: germline.
Comment: The p.D1464G variant (also known as c.4391A>G), located in coding exon 33 of the NF1 gene, results from an A to G substitution at nucleotide position 4391. The aspartic acid at codon 1464 is replaced by glycine, an amino acid with similar properties. This amino acid position is highly conserved in available vertebrate species. In addition, this alteration is predicted to be deleterious by in silico analysis. Since supporting evidence is limited at this time, the clinical significance of this alteration remains unclear.

GeneDx
Classification: Uncertain significance. Last evaluated: 2023-11-28. Review status: criteria provided, single submitter. Criteria: GeneDx Variant Classification Process June 2021. Collection method: clinical testing. Allele origin: germline. Affected: yes.
Comment: Not observed at significant frequency in large population cohorts (gnomAD); In silico analysis supports that this missense variant has a deleterious effect on protein structure/function; Has not been previously published as pathogenic or benign to our knowledge; This variant is associated with the following publications: (PMID: 22807134)

Genome-Nilou Lab
Classification: Uncertain significance for Neurofibromatosis, type 1. Last evaluated: 2022-03-15. Review status: criteria provided, single submitter. Criteria: ACMG Guidelines, 2015. Collection method: clinical testing. Allele origin: germline. Affected: no.